The following is an entry in ClinVar:

ClinVar aggregate classification (germline): Likely pathogenic (1 of 4 stars; one submission).

Conditions:
Nemaline myopathy 2 (NEM2). Also called: Nemaline myopathy 2, autosomal recessive. Identifiers: MedGen C1850569, MONDO:0009725, OMIM 256030.

Submission:

Natera, Inc.
Classification: Likely pathogenic for Nemaline myopathy type 2. Last evaluated: 2024-12-20. Review status: criteria provided, single submitter. Criteria: Natera Variant Classification Schema (03/2026). Collection method: clinical testing. Allele origin: germline.
Comment: The c.13400dup variant in NEB is a frameshift variant predicted to shift the reading frame beginning at codon 4468 and leads to a stop codon 5 codons downstream. This variant is expected to result in nonsense mediated decay, truncation, or a dysfunctional protein product. This variant is rare in the general population with a frequency below the threshold expected for the associated phenotype(s). Given the available evidence, this variant is classified as Likely Pathogenic.

NM_001164508.2(NEB):c.13400dup (p.Met4468fs)

Gene: NEB (nebulin; minus strand). Cytogenetic location: 2q23.3.
Variant type: Duplication.
Coding change: c.13400dup on transcript NM_001164508.2 (MANE Select); coding-DNA position 13400, one base duplicated (A; older notation c.13400dupA).
Protein change: p.Met4468fs; shifts the reading frame from methionine 4468.
Molecular consequence: frameshift variant. On other transcripts: intron variant (1).
Genome position (GRCh38, 1-based): chr2:151,601,977, T duplicated on the plus strand (A on the coding strand, the reverse complement: NEB is on the minus strand); the first of 2 consecutive T bases (chr2:151,601,977-151,601,978); duplicating either gives the same sequence. VCF-style (leftmost placement, unchanged base first): chr2-151601976-C-CT. GRCh37 (hg19) VCF-style: chr2-152458490-C-CT.
Other names: c.13400dup (NM_001271208.1); c.13400dup, p.Met4468fs (NM_001164507.2, NM_001271208.2); c.11601+7832dup (NM_004543.5); short protein forms M4468fs.
Identifiers: ClinVar variation 4814723 (VCV004814723.1).